The following is an entry in ClinVar:

ClinVar aggregate classification (germline): Uncertain significance (1 of 4 stars; one submission).

Allele frequency attached by ClinVar (database versions not stated): gnomAD exomes 0.00003; ExAC 0.00003.
gnomAD v4.1: 38 of 1,611,004 alleles (0.0024%); highest among the groups gnomAD compares: African/African-American, 0.004%; no homozygotes.

Submission:

Labcorp Genetics (formerly Invitae), Labcorp
Classification: Uncertain significance. Last evaluated: 2022-03-12. Review status: criteria provided, single submitter. Criteria: Invitae Variant Classification Sherloc (09022015). Collection method: clinical testing. Allele origin: germline.
Comment: This sequence change replaces serine, which is neutral and polar, with leucine, which is neutral and non-polar, at codon 3311 of the CDH23 protein (p.Ser3311Leu). This variant is present in population databases (rs754146004, gnomAD 0.009%). This missense change has been observed in individual(s) with deafness (PMID: 33229591). Algorithms developed to predict the effect of missense changes on protein structure and function are either unavailable or do not agree on the potential impact of this missense change (SIFT: "Deleterious"; PolyPhen-2: "Not Available"; Align-GVGD: "Class C0"). In summary, the available evidence is currently insufficient to determine the role of this variant in disease. Therefore, it has been classified as a Variant of Uncertain Significance.

Literature cited by the submitters: PubMed 33229591.

NM_022124.6(CDH23):c.9932C>T (p.Ser3311Leu)

Gene: CDH23 (cadherin related 23; plus strand). Cytogenetic location: 10q22.1.
Variant type: single nucleotide variant.
Coding change: c.9932C>T on transcript NM_022124.6 (MANE Select); coding-DNA position 9932, C replaced by T.
Protein change: p.Ser3311Leu; replaces serine 3311 with leucine.
Molecular consequence: missense variant.
Genome position (GRCh38, 1-based): chr10:71,815,145, C>T. VCF-style: chr10-71815145-C-T. GRCh37 (hg19) VCF-style: chr10-73574902-C-T.
Other names: c.3212C>T, p.Ser1071Leu (NM_001171933.1); c.3107C>T, p.Ser1036Leu (NM_001171934.1); c.623C>T, p.Ser208Leu (NM_001171935.1); c.518C>T, p.Ser173Leu (NM_001171936.1); short protein forms S1036L, S1071L, S173L, S208L, S3311L.
Identifiers: ClinVar variation 1416633 (VCV001416633.5), dbSNP rs754146004, ClinGen allele CA5547217.